The following is an entry in ClinVar:

ClinVar aggregate classification (germline): Uncertain significance. Review status: criteria provided, multiple submitters, no conflicts (2 of 4 stars). 3 submissions from 3 submitters: Uncertain significance (3). Last evaluated 2026-05-26.

Conditions:
IL6ST-related disorder. Also called: IL6ST-related condition.

Allele frequency attached by ClinVar (database versions not stated): ExAC 0.00009; gnomAD exomes 0.00010 and 0.00031; TOPMed 0.00015; gnomAD 0.00017 and 0.00020; ESP Exome Variant Server 0.00023.
gnomAD v4.1: 473 of 1,613,160 alleles (0.029%); highest among the groups gnomAD compares: Non-Finnish European, 0.039%; no homozygotes.

Submissions (3):

PreventionGenetics, part of Exact Sciences
Classification: Uncertain significance for IL6ST-related condition. Last evaluated: 2026-05-26. Review status: criteria provided, single submitter. Criteria: ACMG Guidelines, 2015. Collection method: clinical testing. Allele origin: germline.
Comment: The IL6ST c.311A>G variant is predicted to result in the amino acid substitution p.Asn104Ser. To our knowledge, this variant has not been reported in the literature. This variant is reported in 0.021% of alleles in individuals of European (Non-Finnish) descent in gnomAD. At this time, the clinical significance of this variant is uncertain due to the absence of conclusive functional and genetic evidence.

Labcorp Genetics (formerly Invitae), Labcorp
Classification: Uncertain significance. Last evaluated: 2026-02-01. Review status: criteria provided, single submitter. Criteria: Invitae Variant Classification Sherloc (09022015). Collection method: clinical testing. Allele origin: germline.
Comment: This sequence change replaces asparagine, which is neutral and polar, with serine, which is neutral and polar, at codon 104 of the IL6ST protein (p.Asn104Ser). This variant is present in population databases (rs370154111, gnomAD 0.02%). This variant has not been reported in the literature in individuals affected with IL6ST-related conditions. ClinVar contains an entry for this variant (Variation ID: 1354251). An algorithm developed to predict the effect of missense changes on protein structure and function (PolyPhen-2) suggests that this variant is likely to be disruptive. In summary, the available evidence is currently insufficient to determine the role of this variant in disease. Therefore, it has been classified as a Variant of Uncertain Significance.

Blueprint Genetics
Classification: Uncertain significance. Last evaluated: 2024-10-28. Review status: criteria provided, single submitter. Criteria: ACMG Guidelines, 2015. Collection method: clinical testing. Allele origin: germline.

NM_002184.4(IL6ST):c.311A>G (p.Asn104Ser)

Gene: IL6ST (interleukin 6 cytokine family signal transducer; minus strand). Cytogenetic location: 5q11.2.
Variant type: single nucleotide variant.
Coding change: c.311A>G on transcript NM_002184.4 (MANE Select); coding-DNA position 311, A replaced by G.
Protein change: p.Asn104Ser; replaces asparagine 104 with serine.
Molecular consequence: missense variant. On other transcripts: 5 prime UTR variant (3), non-coding transcript variant (2), intron variant (1).
Genome position (GRCh38, 1-based): chr5:55,969,609, T>C on the plus strand (A>G on the coding strand, the complement: IL6ST is on the minus strand). VCF-style: chr5-55969609-T-C. GRCh37 (hg19) VCF-style: chr5-55265437-T-C.
Other names: c.311A>G, p.Asn104Ser (NM_001190981.2, NM_001364275.2, NM_175767.3); c.-482A>G (NM_001364277.2, NM_001364279.2); c.-472A>G (NM_001364278.2); c.160+151A>G (NM_001364276.2); c.311A>G (NM_002184.3); short protein forms N104S.
Identifiers: ClinVar variation 1354251 (VCV001354251.10), dbSNP rs370154111, ClinGen allele CA3271733.
Genomic context (GRCh38, chr5:55,969,609, plus strand): 5'-CAGCCTGAAATTATTGTGATTCCATAAACATTCTGTTCAAGCTGTCCGAATGTAAGAATG[T>C]TGCAAGTGAGCTGAATATTTAATGAAGCTATATCTGTAAAGGTGACACTGGATGCTGTTC-3'
Protein context (NP_002175.2, residues 94-114): IASLNIQLTC[Asn104Ser]ILTFGQLEQN